The following is an entry in ClinVar:

ClinVar aggregate classification (germline): Uncertain significance (1 of 4 stars; one submission).

Submission:

Labcorp Genetics (formerly Invitae), Labcorp
Classification: Uncertain significance. Last evaluated: 2019-05-25. Review status: criteria provided, single submitter. Criteria: Invitae Variant Classification Sherloc (09022015). Collection method: clinical testing. Allele origin: germline.
Comment: This sequence change replaces threonine with arginine at codon 1196 of the POLE protein (p.Thr1196Arg). The threonine residue is weakly conserved and there is a moderate physicochemical difference between threonine and arginine. This variant is not present in population databases (ExAC no frequency). This variant has not been reported in the literature in individuals with POLE-related conditions. Algorithms developed to predict the effect of missense changes on protein structure and function (SIFT, PolyPhen-2, Align-GVGD) all suggest that this variant is likely to be tolerated, but these predictions have not been confirmed by published functional studies and their clinical significance is uncertain. Algorithms developed to predict the effect of sequence changes on RNA splicing suggest that this variant may create or strengthen a splice site, but this prediction has not been confirmed by published transcriptional studies. In summary, the available evidence is currently insufficient to determine the role of this variant in disease. Therefore, it has been classified as a Variant of Uncertain Significance.

NM_006231.4(POLE):c.3587C>G (p.Thr1196Arg)

Gene: POLE (DNA polymerase epsilon, catalytic subunit; minus strand). Cytogenetic location: 12q24.33.
Variant type: single nucleotide variant.
Coding change: c.3587C>G on transcript NM_006231.4 (MANE Select); coding-DNA position 3587, C replaced by G.
Protein change: p.Thr1196Arg; replaces threonine 1196 with arginine.
Molecular consequence: missense variant.
Genome position (GRCh38, 1-based): chr12:132,649,885, G>C on the plus strand (C>G on the coding strand, the complement: POLE is on the minus strand). VCF-style: chr12-132649885-G-C. GRCh37 (hg19) VCF-style: chr12-133226471-G-C.
Other names: short protein forms T1196R.
Identifiers: ClinVar variation 949643 (VCV000949643.9), dbSNP rs866237249, ClinGen allele CA387387082.